The following is an entry in ClinVar:

NM_004727.3(SLC24A1):c.2817del (p.Phe939fs)

Gene: SLC24A1 (solute carrier family 24 member 1; plus strand). Cytogenetic location: 15q22.31.
Variant type: Deletion.
Coding change: c.2817del on transcript NM_004727.3 (MANE Select); coding-DNA position 2817, one base deleted (C; older notation c.2817delC).
Protein change: p.Phe939fs; shifts the reading frame from phenylalanine 939.
Molecular consequence: frameshift variant. On other transcripts: intron variant (1).
Genome position (GRCh38, 1-based): chr15:65,651,693, C deleted. VCF-style (leftmost placement, unchanged base first): chr15-65651692-TC-T. GRCh37 (hg19) VCF-style: chr15-65944030-TC-T.
Other names: c.798del, p.Phe266fs (NM_001254740.2); c.2763del, p.Phe921fs (NM_001301032.1, NM_001301033.2); c.2793+751del (NM_001301031.1); c.2817delC (NM_004727.2); short protein forms F921fs, F266fs, F939fs.
Identifiers: ClinVar variation 956839 (VCV000956839.10), dbSNP rs757211186, ClinGen allele CA7620222.

ClinVar aggregate classification (germline): Pathogenic/Likely pathogenic. Review status: criteria provided, multiple submitters, no conflicts (2 of 4 stars). 4 submissions from 4 submitters: Pathogenic (2); Likely pathogenic (2). Last evaluated 2026-09-12.

Conditions:
SLC24A1-related disorder. Also called: SLC24A1-related condition.
Congenital stationary night blindness 1D. Also called: Night blindness, congenital stationary (complete), 1D, autosomal recessive. Identifiers: Orphanet 215, MedGen C3151193, MONDO:0013450, OMIM 613830.

Allele frequency attached by ClinVar (database versions not stated): ExAC 0.00002; gnomAD 0.00002 and 0.00003; gnomAD exomes 0.00002; TOPMed 0.00003; ESP Exome Variant Server 0.00009.

Submissions (4):

PreventionGenetics, part of Exact Sciences
Classification: Pathogenic for SLC24A1-related condition. Last evaluated: 2026-09-12. Review status: criteria provided, single submitter. Criteria: ACMG Guidelines, 2015. Collection method: clinical testing. Allele origin: germline.
Comment: The SLC24A1 c.2817delC variant is predicted to result in a frameshift and premature protein termination (p.Phe939Leufs*10). This variant has been reported along with another pathogenic SLC24A1 variant in an individual with retinitis pigmentosa (Table S4, Panneman et al. 2023. PubMed ID: 36819107). This variant is reported in 0.0044% of alleles in individuals of European (Non-Finnish) descent in gnomAD. Frameshift variants in SLC24A1 are expected to be pathogenic. This variant is interpreted as pathogenic.

Variantyx, Inc.
Classification: Likely pathogenic for Congenital stationary night blindness 1D. Last evaluated: 2025-08-06. Review status: criteria provided, single submitter. Criteria: Variantyx Assertion Criteria 2022. Collection method: clinical testing. Allele origin: germline. Inheritance: Autosomal recessive inheritance. Affected: no.
Comment: This is a frameshift variant in the SLC24A1 gene (OMIM: 603617). Pathogenic variants in this gene have been associated with autosomal recessive complete congenital stationary night blindness 1D. This variant introduces a premature termination codon in exon 8 out of 10 and is expected to result in loss of function, which is a known disease mechanism for SLC24A1 in this disorder ((PMID: 20850105, 26822852)) (PVS1). This variant has a 0.0030% maximum allele frequency in non-founder control populations (PM2). Based on the current evidence, this variant is classified as likely pathogenic for autosomal recessive complete congenital stationary night blindness 1D.

Blueprint Genetics
Classification: Likely pathogenic for SLC24A1-related disorders. Last evaluated: 2024-09-19. Review status: criteria provided, single submitter. Criteria: ACMG Guidelines, 2015. Collection method: clinical testing. Allele origin: germline. Affected: yes. Observed: 4 variant alleles.

Labcorp Genetics (formerly Invitae), Labcorp
Classification: Pathogenic. Last evaluated: 2023-09-30. Review status: criteria provided, single submitter. Criteria: Invitae Variant Classification Sherloc (09022015). Collection method: clinical testing. Allele origin: germline.
Comment: For these reasons, this variant has been classified as Pathogenic. ClinVar contains an entry for this variant (Variation ID: 956839). This variant has not been reported in the literature in individuals affected with SLC24A1-related conditions. This variant is present in population databases (rs757211186, gnomAD 0.004%). This sequence change creates a premature translational stop signal (p.Phe939Leufs*10) in the SLC24A1 gene. It is expected to result in an absent or disrupted protein product. Loss-of-function variants in SLC24A1 are known to be pathogenic (PMID: 20850105, 26822852).

Literature cited by the submitters: PubMed 20850105 (cited by Variantyx, Inc. and Labcorp Genetics (formerly Invitae), Labcorp); PubMed 26822852 (cited by Variantyx, Inc. and Labcorp Genetics (formerly Invitae), Labcorp).